The following is an entry in ClinVar:

NM_000545.8(HNF1A):c.576del (p.Asp192fs)

Gene: HNF1A (HNF1 homeobox A; plus strand). Cytogenetic location: 12q24.31.
Variant type: Deletion.
Coding change: c.576del on transcript NM_000545.8 (MANE Select); coding-DNA position 576, one base deleted (T; older notation c.576delT).
Protein change: p.Asp192fs; shifts the reading frame from aspartic acid 192.
Molecular consequence: frameshift variant.
Genome position (GRCh38, 1-based): chr12:120,993,569, T deleted. VCF-style (leftmost placement, unchanged base first): chr12-120993568-AT-A. GRCh37 (hg19) VCF-style: chr12-121431371-AT-A.
Other names: c.576del, p.Asp192fs (NM_001306179.2); short protein forms D192fs.
Identifiers: ClinVar variation 1256576 (VCV001256576.6), dbSNP rs2135839075, ClinGen allele CA2499221468.

ClinVar aggregate classification (germline): Pathogenic. Review status: criteria provided, multiple submitters, no conflicts (2 of 4 stars). 2 submissions from 2 submitters: Pathogenic (2). Last evaluated 2021-12-19.

Submissions (2):

Labcorp Genetics (formerly Invitae), Labcorp
Classification: Pathogenic. Last evaluated: 2021-12-19. Review status: criteria provided, single submitter. Criteria: Invitae Variant Classification Sherloc (09022015). Collection method: clinical testing. Allele origin: germline.
Comment: For these reasons, this variant has been classified as Pathogenic. Algorithms developed to predict the effect of sequence changes on RNA splicing suggest that this variant may create or strengthen a splice site. ClinVar contains an entry for this variant (Variation ID: 1256576). This variant has not been reported in the literature in individuals affected with HNF1A-related conditions. This variant is not present in population databases (gnomAD no frequency). This sequence change creates a premature translational stop signal (p.Asp192Glufs*41) in the HNF1A gene. It is expected to result in an absent or disrupted protein product. Loss-of-function variants in HNF1A are known to be pathogenic (PMID: 15928245, 18003757).

Athena Diagnostics
Classification: Pathogenic. Last evaluated: 2021-04-14. Review status: criteria provided, single submitter. Criteria: Athena Diagnostics criteria. Collection method: clinical testing. Allele origin: unknown.
Comment: This variant is expected to result in the loss of a functional protein. This variant has not been reported in large, multi-ethnic general populations. This variant has been identified in at least one individual with clinical features associated with this gene.

Literature cited by the submitters: PubMed 15928245 (cited by Labcorp Genetics (formerly Invitae), Labcorp); PubMed 18003757 (cited by Labcorp Genetics (formerly Invitae), Labcorp).